The following is an entry in ClinVar:

ClinVar aggregate classification (germline): Uncertain significance (1 of 4 stars; one submission).

Conditions:
TTC21B-related disorder. Also called: TTC21B-related condition; TTC21B-related disorders.

gnomAD v4.1: 1 of 1,613,866 alleles (0.000062%); no homozygotes.

Submission:

PreventionGenetics, part of Exact Sciences
Classification: Uncertain significance for TTC21B-related condition. Last evaluated: 2025-10-23. Review status: criteria provided, single submitter. Criteria: ACMG Guidelines, 2015. Collection method: clinical testing. Allele origin: germline.
Comment: The TTC21B c.2620G>C variant is predicted to result in the amino acid substitution p.Asp874His. To our knowledge, this variant has not been reported in the literature or in a large population database (gnomAD), indicating this variant is rare. At this time, the clinical significance of this variant is uncertain due to the absence of conclusive functional and genetic evidence.

NM_024753.5(TTC21B):c.2620G>C (p.Asp874His)

Gene: TTC21B (tetratricopeptide repeat domain 21B; minus strand). Cytogenetic location: 2q24.3.
Variant type: single nucleotide variant.
Coding change: c.2620G>C on transcript NM_024753.5 (MANE Select); coding-DNA position 2620, G replaced by C.
Protein change: p.Asp874His; replaces aspartic acid 874 with histidine.
Molecular consequence: missense variant.
Genome position (GRCh38, 1-based): chr2:165,901,859, C>G on the plus strand (G>C on the coding strand, the complement: TTC21B is on the minus strand). VCF-style: chr2-165901859-C-G. GRCh37 (hg19) VCF-style: chr2-166758369-C-G.
Other names: short protein forms D874H.
Identifiers: ClinVar variation 4995721 (VCV004995721.1).